The following is an entry in ClinVar:

ClinVar aggregate classification (germline): Uncertain significance (1 of 4 stars; one submission).

Allele frequency attached by ClinVar (database versions not stated): ESP Exome Variant Server 0.00008.
gnomAD v4.1: 9 of 1,324,510 alleles (0.00068%); highest among the groups gnomAD compares: African/African-American, 0.014%; no homozygotes.

Submission:

Labcorp Genetics (formerly Invitae), Labcorp
Classification: Uncertain significance. Last evaluated: 2023-10-16. Review status: criteria provided, single submitter. Criteria: Invitae Variant Classification Sherloc (09022015). Collection method: clinical testing. Allele origin: germline.
Comment: This sequence change replaces alanine with proline at codon 203 of the TCF3 protein (p.Ala203Pro). The alanine residue is weakly conserved and there is a small physicochemical difference between alanine and proline. The frequency data for this variant in the population databases is considered unreliable, as metrics indicate poor data quality at this position in the gnomAD database. This variant has not been reported in the literature in individuals affected with TCF3-related conditions. ClinVar contains an entry for this variant (Variation ID: 1403402). Advanced modeling of protein sequence and biophysical properties (such as structural, functional, and spatial information, amino acid conservation, physicochemical variation, residue mobility, and thermodynamic stability) performed at Invitae indicates that this missense variant is not expected to disrupt TCF3 protein function. Algorithms developed to predict the effect of sequence changes on RNA splicing suggest that this variant may create or strengthen a splice site. In summary, the available evidence is currently insufficient to determine the role of this variant in disease. Therefore, it has been classified as a Variant of Uncertain Significance.

NM_003200.5(TCF3):c.607G>C (p.Ala203Pro)

Gene: TCF3 (transcription factor 3; minus strand). Cytogenetic location: 19p13.3.
Variant type: single nucleotide variant.
Coding change: c.607G>C on transcript NM_003200.5 (MANE Select); coding-DNA position 607, G replaced by C.
Protein change: p.Ala203Pro; replaces alanine 203 with proline.
Molecular consequence: missense variant.
Genome position (GRCh38, 1-based): chr19:1,622,358, C>G on the plus strand (G>C on the coding strand, the complement: TCF3 is on the minus strand). VCF-style: chr19-1622358-C-G. GRCh37 (hg19) VCF-style: chr19-1622357-C-G.
Other names: c.607G>C, p.Ala203Pro (NM_001136139.4, NM_001351778.2, NM_001351779.2); short protein forms A203P.
Identifiers: ClinVar variation 1403402 (VCV001403402.6), dbSNP rs138005323, ClinGen allele CA9050295.